The following is an entry in ClinVar:

ClinVar aggregate classification (germline): Uncertain significance. Review status: criteria provided, multiple submitters, no conflicts (2 of 4 stars). 2 submissions from 2 submitters: Uncertain significance (2). Last evaluated 2026-06-18.

Conditions:
Hereditary cancer-predisposing syndrome. Also called: Neoplastic Syndromes, Hereditary; Hereditary neoplastic syndrome; Hereditary Cancer Syndrome; Tumor predisposition. Identifiers: Orphanet 140162, MedGen C0027672, MeSH D009386, MONDO:0015356.
Familial adenomatous polyposis 1 (FAP1). Also called: POLYPOSIS, ADENOMATOUS INTESTINAL; FAMILIAL ADENOMATOUS POLYPOSIS 1, ATTENUATED. Identifiers: MedGen C2713442, MONDO:0021056, OMIM 175100. Disease mechanism: loss of function.

Allele frequency attached by ClinVar (database versions not stated): gnomAD exomes 0.00001.
gnomAD v4.1: 7 of 1,614,126 alleles (0.00043%); highest among the groups gnomAD compares: Non-Finnish European, 0.00059%; no homozygotes.

Submissions (2):

Ambry Genetics
Classification: Uncertain significance for Hereditary cancer-predisposing syndrome. Last evaluated: 2026-06-18. Review status: criteria provided, single submitter. Criteria: Ambry Variant Classification Scheme 2023. Collection method: clinical testing. Allele origin: germline.
Comment: The p.S1196L variant (also known as c.3587C>T), located in coding exon 15 of the APC gene, results from a C to T substitution at nucleotide position 3587. The serine at codon 1196 is replaced by leucine, an amino acid with dissimilar properties. This amino acid position is not well conserved in available vertebrate species. In addition, in silico predictors for this gene do not accurately predict pathogenicity. Missense variants in APC are not a common cause of disease (Spier I et al. Genet Med. 2024 Feb;26(2):100992). Based on the available evidence, the clinical significance of this variant remains unclear.

Labcorp Genetics (formerly Invitae), Labcorp
Classification: Uncertain significance for Familial adenomatous polyposis 1. Last evaluated: 2023-10-15. Review status: criteria provided, single submitter. Criteria: Invitae Variant Classification Sherloc (09022015). Collection method: clinical testing. Allele origin: germline.
Comment: This sequence change replaces serine, which is neutral and polar, with leucine, which is neutral and non-polar, at codon 1196 of the APC protein (p.Ser1196Leu). This variant is not present in population databases (gnomAD no frequency). This variant has not been reported in the literature in individuals affected with APC-related conditions. ClinVar contains an entry for this variant (Variation ID: 469927). Advanced modeling of protein sequence and biophysical properties (such as structural, functional, and spatial information, amino acid conservation, physicochemical variation, residue mobility, and thermodynamic stability) performed at Invitae indicates that this missense variant is not expected to disrupt APC protein function. In summary, the available evidence is currently insufficient to determine the role of this variant in disease. Therefore, it has been classified as a Variant of Uncertain Significance.

NM_000038.6(APC):c.3587C>T (p.Ser1196Leu)

Gene: APC (APC regulator of Wnt signaling pathway; plus strand). Cytogenetic location: 5q22.2.
Variant type: single nucleotide variant.
Coding change: c.3587C>T on transcript NM_000038.6 (MANE Select); coding-DNA position 3587, C replaced by T.
Protein change: p.Ser1196Leu; replaces serine 1196 with leucine.
Molecular consequence: missense variant.
Genome position (GRCh38, 1-based): chr5:112,839,181, C>T. VCF-style: chr5-112839181-C-T. GRCh37 (hg19) VCF-style: chr5-112174878-C-T.
Other names: c.3587C>T, p.Ser1196Leu (NM_001127510.3, NM_001354895.2); c.3533C>T, p.Ser1178Leu (NM_001127511.3); c.3641C>T, p.Ser1214Leu (NM_001354896.2); c.3617C>T, p.Ser1206Leu (NM_001354897.2); c.3512C>T, p.Ser1171Leu (NM_001354898.2); c.3503C>T, p.Ser1168Leu (NM_001354899.2); c.3464C>T, p.Ser1155Leu (NM_001354900.2); c.3410C>T, p.Ser1137Leu (NM_001354901.2); and 5 more; short protein forms S1178L, S1196L, S1070L, S1168L, S1036L, S1095L, S1171L, S1214L.
Identifiers: ClinVar variation 469927 (VCV000469927.9), dbSNP rs1554085141, ClinGen allele CA16029214.